The following is an entry in ClinVar:

NM_006258.4(PRKG1):c.451G>A (p.Val151Met)

Gene: PRKG1 (protein kinase cGMP-dependent 1; plus strand). Cytogenetic location: 10q21.1.
Variant type: single nucleotide variant.
Coding change: c.451G>A on transcript NM_006258.4 (MANE Select); coding-DNA position 451, G replaced by A.
Protein change: p.Val151Met; replaces valine 151 with methionine.
Molecular consequence: missense variant.
Genome position (GRCh38, 1-based): chr10:51,153,303, G>A. VCF-style: chr10-51153303-G-A. GRCh37 (hg19) VCF-style: chr10-52913063-G-A.
Other names: c.406G>A, p.Val136Met (NM_001098512.3); c.451G>A, p.Val151Met (NM_001374782.1); short protein forms V136M, V151M.
Identifiers: ClinVar variation 4085609 (VCV004085609.8).

ClinVar aggregate classification (germline): Uncertain significance (1 of 4 stars; one submission).

Submission:

CeGaT Center for Human Genetics Tuebingen
Classification: Uncertain significance. Last evaluated: 2025-07-01. Review status: criteria provided, single submitter. Criteria: CeGaT Center For Human Genetics Tuebingen Variant Classification Criteria Version 2. Collection method: clinical testing. Allele origin: germline. Affected: yes. Observed: 1 variant allele.
Comment: PRKG1: PM2, PP2, PP3